The following is an entry in ClinVar:

ClinVar aggregate classification (germline): Uncertain significance (1 of 4 stars; one submission).

Submission:

GeneDx
Classification: Uncertain significance. Last evaluated: 2026-04-01. Review status: criteria provided, single submitter. Criteria: GeneDx Variant Classification Process June 2021. Collection method: clinical testing. Allele origin: germline.
Comment: Not observed at significant frequency in large population cohorts (gnomAD); In silico analysis supports that this missense variant has a deleterious effect on protein structure/function; Has not been previously published as pathogenic or benign to our knowledge

NM_001145809.2(MYH14):c.1792G>A (p.Asp598Asn)

Gene: MYH14 (myosin heavy chain 14; plus strand). Cytogenetic location: 19q13.33.
Variant type: single nucleotide variant.
Coding change: c.1792G>A on transcript NM_001145809.2 (MANE Select); coding-DNA position 1792, G replaced by A.
Protein change: p.Asp598Asn; replaces aspartic acid 598 with asparagine.
Molecular consequence: missense variant.
Genome position (GRCh38, 1-based): chr19:50,250,650, G>A. VCF-style: chr19-50250650-G-A. GRCh37 (hg19) VCF-style: chr19-50753907-G-A.
Other names: c.1792G>A, p.Asp598Asn (NM_001077186.2); c.1768G>A, p.Asp590Asn (NM_024729.4); short protein forms D590N, D598N.
Identifiers: ClinVar variation 5017593 (VCV005017593.1).
Genomic context (GRCh38, chr19:50,250,650, plus strand): 5'-GAGAAGGTAGCCCAGGAGCAGGGCGGCCACCCCAAGTTCCAGCGGCCGAGGCACCTGCGG[G>A]ATCAGGCCGACTTCAGTGTTCTCCACTACGCGGGCAAGGTAGGGGCTGGGGCCGGCCTTG-3'
Protein context (NP_001139281.1, residues 588-608): PKFQRPRHLR[Asp598Asn]QADFSVLHYA